The following is an entry in ClinVar:

ClinVar aggregate classification (germline): Uncertain significance (1 of 4 stars; one submission).

Submission:

Ambry Genetics
Classification: Uncertain significance. Last evaluated: 2024-02-05. Review status: criteria provided, single submitter. Criteria: Ambry Variant Classification Scheme 2023. Collection method: clinical testing. Allele origin: germline.
Comment: The p.A237T variant (also known as c.709G>A), located in coding exon 6 of the RINT1 gene, results from a G to A substitution at nucleotide position 709. The alanine at codon 237 is replaced by threonine, an amino acid with similar properties. This amino acid position is conserved. In addition, this alteration is predicted to be tolerated by in silico analysis. Based on the available evidence, the clinical significance of this alteration remains unclear.

NM_021930.6(RINT1):c.709G>A (p.Ala237Thr)

Gene: RINT1 (RAD50 interactor 1; plus strand). Cytogenetic location: 7q22.3.
Variant type: single nucleotide variant.
Coding change: c.709G>A on transcript NM_021930.6 (MANE Select); coding-DNA position 709, G replaced by A.
Protein change: p.Ala237Thr; replaces alanine 237 with threonine.
Molecular consequence: missense variant. On other transcripts: 5 prime UTR variant (2), non-coding transcript variant (1), intron variant (1).
Genome position (GRCh38, 1-based): chr7:105,547,203, G>A. VCF-style: chr7-105547203-G-A. GRCh37 (hg19) VCF-style: chr7-105187650-G-A.
Other names: c.475G>A, p.Ala159Thr (NM_001346599.2); c.-311G>A (NM_001346600.2); c.-214G>A (NM_001346601.2); c.-27-2852G>A (NM_001346603.2); short protein forms A159T, A237T.
Identifiers: ClinVar variation 3227667 (VCV003227667.1), dbSNP rs2133387503, ClinGen allele CA368806218.